The following is an entry in ClinVar:

NM_018116.4(MSTO1):c.1328G>A (p.Cys443Tyr)

Gene: MSTO1 (misato mitochondrial distribution and morphology regulator 1; plus strand). Cytogenetic location: 1q22.
Variant type: single nucleotide variant.
Coding change: c.1328G>A on transcript NM_018116.4 (MANE Select); coding-DNA position 1328, G replaced by A.
Protein change: p.Cys443Tyr; replaces cysteine 443 with tyrosine.
Molecular consequence: missense variant. On other transcripts: non-coding transcript variant (6).
Genome position (GRCh38, 1-based): chr1:155,613,506, G>A. VCF-style: chr1-155613506-G-A. GRCh37 (hg19) VCF-style: chr1-155583297-G-A.
Other names: c.1328G>A, p.Cys443Tyr (NM_001256532.1, NM_001256533.1, NM_001350772.1 and 1 more transcripts); c.1365G>A, p.Met455Ile (NM_001350773.1, NM_001350774.1); c.1163G>A, p.Cys388Tyr (NM_001350776.1); c.797G>A, p.Cys266Tyr (NM_001350777.1, NM_001350778.1, NM_001350779.1); c.794G>A, p.Cys265Tyr (NM_001350780.1, NM_001350781.1, NM_001350782.1 and 2 more transcripts); c.785G>A, p.Cys262Tyr (NM_001350784.1, NM_001350785.1, NM_001350787.1 and 1 more transcripts); c.831G>A, p.Met277Ile (NM_001350786.1); short protein forms C265Y, M277I, C266Y, M455I, C262Y, C388Y, C443Y.
Identifiers: ClinVar variation 2011268 (VCV002011268.1), dbSNP rs1674832569, ClinGen allele CA342760111.
Genomic context (GRCh38, chr1:155,613,506, plus strand): 5'-GGCTTTGTTCTGGCAGCCAGCTCACCCCAGGGACACCTCCACCCTCTGCCCTTCATGCAT[G>A]TACCACTGGGGAAGAAATCTTGGCTCAGTATTTACAACAGCAGCAGCCTGGAGTCATGAG-3'
Protein context (NP_060586.2, residues 433-453): GTPPPSALHA[Cys443Tyr]TTGEEILAQY

ClinVar aggregate classification (germline): Uncertain significance (1 of 4 stars; one submission).

Submission:

Labcorp Genetics (formerly Invitae), Labcorp
Classification: Uncertain significance. Last evaluated: 2022-07-05. Review status: criteria provided, single submitter. Criteria: Invitae Variant Classification Sherloc (09022015). Collection method: clinical testing. Allele origin: germline.
Comment: This sequence change replaces cysteine, which is neutral and slightly polar, with tyrosine, which is neutral and polar, at codon 443 of the MSTO1 protein (p.Cys443Tyr). This variant is not present in population databases (gnomAD no frequency). This variant has not been reported in the literature in individuals affected with MSTO1-related conditions. Algorithms developed to predict the effect of missense changes on protein structure and function are either unavailable or do not agree on the potential impact of this missense change (SIFT: "Tolerated"; PolyPhen-2: "Probably Damaging"; Align-GVGD: "Class C0"). In summary, the available evidence is currently insufficient to determine the role of this variant in disease. Therefore, it has been classified as a Variant of Uncertain Significance.